The following is an entry in ClinVar:

ClinVar aggregate classification (germline): Uncertain significance. Review status: criteria provided, multiple submitters, no conflicts (2 of 4 stars). 2 submissions from 2 submitters: Uncertain significance (2). Last evaluated 2024-10-01.

Conditions:
Hereditary cancer-predisposing syndrome. Also called: Tumor predisposition; Neoplastic Syndromes, Hereditary; Hereditary neoplastic syndrome; Hereditary Cancer Syndrome. Identifiers: Orphanet 140162, MedGen C0027672, MeSH D009386, MONDO:0015356.
Ataxia-telangiectasia syndrome (AT). Also called: Ataxia-telangiectasia, complementation group D; AT, COMPLEMENTATION GROUP C; ATAXIA-TELANGIECTASIA, COMPLEMENTATION GROUP A; ATAXIA-TELANGIECTASIA, FRESNO VARIANT; Ataxia-telangiectasia; Ataxia telangiectasia (A-T). Identifiers: Orphanet 100, MedGen C0004135, MONDO:0008840, OMIM 208900.

Submissions (2):

Labcorp Genetics (formerly Invitae), Labcorp
Classification: Uncertain significance for Ataxia-telangiectasia syndrome. Last evaluated: 2024-10-01. Review status: criteria provided, single submitter. Criteria: Invitae Variant Classification Sherloc (09022015). Collection method: clinical testing. Allele origin: germline.
Comment: This sequence change replaces tyrosine, which is neutral and polar, with cysteine, which is neutral and slightly polar, at codon 2371 of the ATM protein (p.Tyr2371Cys). This variant is not present in population databases (gnomAD no frequency). This variant has not been reported in the literature in individuals affected with ATM-related conditions. ClinVar contains an entry for this variant (Variation ID: 946123). An algorithm developed to predict the effect of missense changes on protein structure and function outputs the following: PolyPhen-2: "Benign". The cysteine amino acid residue is found in multiple mammalian species, which suggests that this missense change does not adversely affect protein function. In summary, the available evidence is currently insufficient to determine the role of this variant in disease. Therefore, it has been classified as a Variant of Uncertain Significance.

Ambry Genetics
Classification: Uncertain significance for Hereditary cancer-predisposing syndrome. Last evaluated: 2023-04-19. Review status: criteria provided, single submitter. Criteria: Ambry Variant Classification Scheme 2023. Collection method: clinical testing. Allele origin: germline.
Comment: The p.Y2371C variant (also known as c.7112A>G), located in coding exon 48 of the ATM gene, results from an A to G substitution at nucleotide position 7112. The tyrosine at codon 2371 is replaced by cysteine, an amino acid with highly dissimilar properties. This amino acid position is not well conserved in available vertebrate species. In addition, this alteration is predicted to be tolerated by in silico analysis. Since supporting evidence is limited at this time, the clinical significance of this alteration remains unclear.

NM_000051.4(ATM):c.7112A>G (p.Tyr2371Cys)

Genes: ATM (ATM serine/threonine kinase; plus strand), C11orf65 (chromosome 11 open reading frame 65; minus strand). Cytogenetic location: 11q22.3.
Variant type: single nucleotide variant.
Coding change: c.7112A>G on transcript NM_000051.4 (MANE Select); coding-DNA position 7112, A replaced by G.
Protein change: p.Tyr2371Cys; replaces tyrosine 2371 with cysteine.
Molecular consequence: missense variant. On other transcripts: intron variant (2).
Genome position (GRCh38, 1-based): chr11:108,329,043, A>G. VCF-style: chr11-108329043-A-G. GRCh37 (hg19) VCF-style: chr11-108199770-A-G.
Other names: c.7112A>G, p.Tyr2371Cys (NM_001351834.2); c.641-19972T>C (NM_001330368.2); c.*38+6177T>C (NM_001351110.2); short protein forms Y2371C.
Identifiers: ClinVar variation 946123 (VCV000946123.12), dbSNP rs1565526394, ClinGen allele CA382559422.